The following is an entry in ClinVar:

ClinVar aggregate classification (germline): Pathogenic (1 of 4 stars; one submission).

Allele frequency attached by ClinVar (database versions not stated): gnomAD 0.00001.
gnomAD v4.1: 3 of 1,613,836 alleles (0.00019%); highest among the groups gnomAD compares: Middle Eastern, 0.017%; no homozygotes.

Submission:

Labcorp Genetics (formerly Invitae), Labcorp
Classification: Pathogenic. Last evaluated: 2022-07-05. Review status: criteria provided, single submitter. Criteria: Invitae Variant Classification Sherloc (09022015). Collection method: clinical testing. Allele origin: germline.
Comment: For these reasons, this variant has been classified as Pathogenic. ClinVar contains an entry for this variant (Variation ID: 1454291). This variant has not been reported in the literature in individuals affected with AGBL5-related conditions. This variant is present in population databases (no rsID available, gnomAD 0.007%). This sequence change creates a premature translational stop signal (p.Arg577*) in the AGBL5 gene. It is expected to result in an absent or disrupted protein product. Loss-of-function variants in AGBL5 are known to be pathogenic (PMID: 27764769, 27842159).

Literature cited by the submitters: PubMed 27764769; PubMed 27842159.

NM_021831.6(AGBL5):c.1729C>T (p.Arg577Ter)

Gene: AGBL5 (AGBL carboxypeptidase 5; plus strand). Cytogenetic location: 2p23.3.
Variant type: single nucleotide variant.
Coding change: c.1729C>T on transcript NM_021831.6 (MANE Select); coding-DNA position 1729, C replaced by T.
Protein change: p.Arg577Ter; replaces arginine 577 with a stop codon.
Molecular consequence: nonsense. On other transcripts: non-coding transcript variant (2).
Genome position (GRCh38, 1-based): chr2:27,058,457, C>T. VCF-style: chr2-27058457-C-T. GRCh37 (hg19) VCF-style: chr2-27281325-C-T.
Other names: c.1729C>T, p.Arg577Ter (NM_001035507.3); short protein forms R577*.
Identifiers: ClinVar variation 1454291 (VCV001454291.8), dbSNP rs1209104357, ClinGen allele CA346186393.